The following is an entry in ClinVar:

NM_205836.3(FBXO38):c.247G>A (p.Glu83Lys)

Gene: FBXO38 (F-box protein 38; plus strand). Cytogenetic location: 5q32.
Variant type: single nucleotide variant.
Coding change: c.247G>A on transcript NM_205836.3 (MANE Select); coding-DNA position 247, G replaced by A.
Protein change: p.Glu83Lys; replaces glutamic acid 83 with lysine.
Molecular consequence: missense variant.
Genome position (GRCh38, 1-based): chr5:148,399,117, G>A. VCF-style: chr5-148399117-G-A. GRCh37 (hg19) VCF-style: chr5-147778680-G-A.
Other names: c.247G>A, p.Glu83Lys (NM_001271723.2, NM_030793.5); short protein forms E83K.
Identifiers: ClinVar variation 2756418 (VCV002756418.3), dbSNP rs2531697664, ClinGen allele CA361654305.

ClinVar aggregate classification (germline): Uncertain significance (1 of 4 stars; one submission).

Conditions:
Distal hereditary motor neuropathy type 2. Identifiers: Orphanet 139525, MedGen C3711384, MeSH C580044, MONDO:0015352.

Allele frequency attached by ClinVar (database versions not stated): gnomAD exomes below 0.00001.
gnomAD v4.1: 1 of 1,611,590 alleles (0.000062%); highest among the groups gnomAD compares: South Asian, 0.0011%; no homozygotes.

Submission:

Labcorp Genetics (formerly Invitae), Labcorp
Classification: Uncertain significance for Distal hereditary motor neuropathy type 2. Last evaluated: 2023-09-05. Review status: criteria provided, single submitter. Criteria: Invitae Variant Classification Sherloc (09022015). Collection method: clinical testing. Allele origin: germline.
Comment: In summary, the available evidence is currently insufficient to determine the role of this variant in disease. Therefore, it has been classified as a Variant of Uncertain Significance. Advanced modeling of protein sequence and biophysical properties (such as structural, functional, and spatial information, amino acid conservation, physicochemical variation, residue mobility, and thermodynamic stability) performed at Invitae indicates that this missense variant is not expected to disrupt FBXO38 protein function. This variant has not been reported in the literature in individuals affected with FBXO38-related conditions. This variant is not present in population databases (gnomAD no frequency). This sequence change replaces glutamic acid, which is acidic and polar, with lysine, which is basic and polar, at codon 83 of the FBXO38 protein (p.Glu83Lys).